The following is an entry in ClinVar:

NM_021098.3(CACNA1H):c.3952_3953del (p.Asp1317_Ile1318insTer)

Gene: CACNA1H (calcium voltage-gated channel subunit alpha1 H; plus strand). Cytogenetic location: 16p13.3.
Variant type: Deletion.
Coding change: c.3952_3953del on transcript NM_021098.3 (MANE Select); coding-DNA positions 3952 to 3953, 2 bases deleted (AT; older notation c.3952_3953delAT).
Protein change: p.Asp1317_Ile1318insTer.
Molecular consequence: nonsense.
Genome position (GRCh38, 1-based): chr16:1,210,476-1,210,477, AT deleted. VCF-style (leftmost placement, unchanged base first): chr16-1210475-CAT-C. GRCh37 (hg19) VCF-style: chr16-1260475-CAT-C.
Other names: c.3952_3953del, p.Asp1317_Ile1318insTer (NM_001005407.2).
Identifiers: ClinVar variation 2129749 (VCV002129749.4), dbSNP rs2548699155, ClinGen allele CA2580090403.

ClinVar aggregate classification (germline): Uncertain significance (1 of 4 stars; one submission).

Conditions:
Hyperaldosteronism, familial, type IV (HALD4). Also called: FH IV; ALDOSTERONISM, PRIMARY, AND HYPERTENSION. Identifiers: Orphanet 642671, MedGen C4310756, MONDO:0014875, OMIM 617027.
Idiopathic generalized epilepsy. Also called: Generalised epilepsy; EIG. Identifiers: MedGen C0270850, MONDO:0005579, OMIM 600669.

Submission:

Labcorp Genetics (formerly Invitae), Labcorp
Classification: Uncertain significance for Idiopathic generalized epilepsy; Hyperaldosteronism, familial, type IV. Last evaluated: 2022-07-27. Review status: criteria provided, single submitter. Criteria: Invitae Variant Classification Sherloc (09022015). Collection method: clinical testing. Allele origin: germline.
Comment: In summary, the available evidence is currently insufficient to determine the role of this variant in disease. Therefore, it has been classified as a Variant of Uncertain Significance. This variant has not been reported in the literature in individuals affected with CACNA1H-related conditions. This variant is not present in population databases (gnomAD no frequency). This sequence change creates a premature translational stop signal (p.Ile1318*) in the CACNA1H gene. It is expected to result in an absent or disrupted protein product. However, the current clinical and genetic evidence is not sufficient to establish whether loss-of-function variants in CACNA1H cause disease.